The following is an entry in ClinVar:

ClinVar aggregate classification (germline): Uncertain significance (1 of 4 stars; one submission).

Allele frequency attached by ClinVar (database versions not stated): gnomAD 0.00001; gnomAD exomes 0.00002; ExAC 0.00004.
gnomAD v4.1: 32 of 1,614,036 alleles (0.002%); highest among the groups gnomAD compares: South Asian, 0.023%; no homozygotes.

Submission:

Labcorp Genetics (formerly Invitae), Labcorp
Classification: Uncertain significance. Last evaluated: 2025-08-11. Review status: criteria provided, single submitter. Criteria: Invitae Variant Classification Sherloc (09022015). Collection method: clinical testing. Allele origin: germline.
Comment: This sequence change replaces serine, which is neutral and polar, with asparagine, which is neutral and polar, at codon 4822 of the HMCN1 protein (p.Ser4822Asn). This variant is present in population databases (rs770204982, gnomAD 0.01%). This variant has not been reported in the literature in individuals affected with HMCN1-related conditions. ClinVar contains an entry for this variant (Variation ID: 1364805). An algorithm developed to predict the effect of missense changes on protein structure and function outputs the following: PolyPhen-2: "Benign". The asparagine amino acid residue is found in multiple mammalian species, which suggests that this missense change does not adversely affect protein function. In summary, the available evidence is currently insufficient to determine the role of this variant in disease. Therefore, it has been classified as a Variant of Uncertain Significance.

NM_031935.3(HMCN1):c.14465G>A (p.Ser4822Asn)

Gene: HMCN1 (hemicentin 1; plus strand). Cytogenetic location: 1q31.1.
Variant type: single nucleotide variant.
Coding change: c.14465G>A on transcript NM_031935.3 (MANE Select); coding-DNA position 14465, G replaced by A.
Protein change: p.Ser4822Asn; replaces serine 4822 with asparagine.
Molecular consequence: missense variant.
Genome position (GRCh38, 1-based): chr1:186,145,780, G>A. VCF-style: chr1-186145780-G-A. GRCh37 (hg19) VCF-style: chr1-186114912-G-A.
Other names: short protein forms S4822N.
Identifiers: ClinVar variation 1364805 (VCV001364805.6), dbSNP rs770204982, ClinGen allele CA1294964.
Genomic context (GRCh38, chr1:186,145,780, plus strand): 5'-TCTTAACAGTGACCATTCCATTCTTGTTCACAGTGGATGGAAGTTGGGGAAGCTGGCATA[G>A]TTGGAGCCAGTGCTCTGCCTCCTGTGGAGGAGGTGAAAAGACTCGGAAGCGGCTGTGCGA-3'
Protein context (NP_114141.2, residues 4812-4832): PVDGSWGSWH[Ser4822Asn]WSQCSASCGG